The following is an entry in ClinVar:

ClinVar aggregate classification (germline): Uncertain significance. Review status: criteria provided, multiple submitters, no conflicts (2 of 4 stars). 2 submissions from 2 submitters: Uncertain significance (2). Last evaluated 2025-03-28.

Conditions:
PLXNA2-related disorder. Also called: PLXNA2-related condition.

gnomAD v4.1: 9 of 1,614,012 alleles (0.00056%); highest among the groups gnomAD compares: Non-Finnish European, 0.00076%; no homozygotes.

Submissions (2):

Ambry Genetics
Classification: Uncertain significance. Last evaluated: 2025-03-28. Review status: criteria provided, single submitter. Criteria: Ambry Variant Classification Scheme 2023. Collection method: clinical testing. Allele origin: germline.

PreventionGenetics, part of Exact Sciences
Classification: Uncertain significance for PLXNA2-related condition. Last evaluated: 2025-02-19. Review status: criteria provided, single submitter. Criteria: ACMG Guidelines, 2015. Collection method: clinical testing. Allele origin: germline.
Comment: The PLXNA2 c.5262C>A variant is predicted to result in the amino acid substitution p.Asn1754Lys. To our knowledge, this variant has not been reported in the literature. This variant is reported in 0.0015% of alleles in individuals of European (Non-Finnish) descent in gnomAD. At this time, the clinical significance of this variant is uncertain due to the absence of conclusive functional and genetic evidence.

NM_025179.4(PLXNA2):c.5262C>A (p.Asn1754Lys)

Gene: PLXNA2 (plexin A2; minus strand). Cytogenetic location: 1q32.2.
Variant type: single nucleotide variant.
Coding change: c.5262C>A on transcript NM_025179.4 (MANE Select); coding-DNA position 5262, C replaced by A.
Protein change: p.Asn1754Lys; replaces asparagine 1754 with lysine.
Molecular consequence: missense variant.
Genome position (GRCh38, 1-based): chr1:208,029,006, G>T on the plus strand (C>A on the coding strand, the complement: PLXNA2 is on the minus strand). VCF-style: chr1-208029006-G-T. GRCh37 (hg19) VCF-style: chr1-208202351-G-T.
Other names: short protein forms N1754K.
Identifiers: ClinVar variation 3934780 (VCV003934780.2).